The following is an entry in ClinVar:

ClinVar aggregate classification (germline): Pathogenic (1 of 4 stars; one submission).

Conditions:
Pitt-Hopkins syndrome (PTHS). Also called: ENCEPHALOPATHY, SEVERE EPILEPTIC, WITH AUTONOMIC DYSFUNCTION; MENTAL RETARDATION, SYNDROMAL, WITH INTERMITTENT HYPERVENTILATION. Identifiers: Orphanet 2896, MedGen C1970431, MONDO:0012589, OMIM 610954.

Submission:

Labcorp Genetics (formerly Invitae), Labcorp
Classification: Pathogenic for Pitt-Hopkins syndrome. Last evaluated: 2019-03-30. Review status: criteria provided, single submitter. Criteria: Invitae Variant Classification Sherloc (09022015). Collection method: clinical testing. Allele origin: germline.
Comment: This variant is an out-of-frame deletion of the genomic region encompassing exon 16 of the TCF4 gene. This is expected to create a premature translational stop signal and result in an absent or disrupted protein product. This variant has not been reported in the literature in individuals with TCF4-related conditions. Loss-of-function variants in TCF4 are known to be pathogenic (PMID: 18728071, 22045651). For these reasons, this variant has been classified as Pathogenic.

Literature cited by the submitters: PubMed 18728071; PubMed 22045651.

NC_000018.10:g.(?_55234528)_(55234703_?)del

Gene: TCF4 (transcription factor 4; minus strand). Cytogenetic location: 18q21.2.
Variant type: Deletion.
Identifiers: ClinVar variation 833431 (VCV000833431.2).